The following is an entry in ClinVar:

ClinVar aggregate classification (germline): Pathogenic/Likely pathogenic. Review status: criteria provided, multiple submitters, no conflicts (2 of 4 stars). 3 submissions from 3 submitters: Pathogenic (2); Likely pathogenic (1). Last evaluated 2024-12-31.

Conditions:
Hereditary breast ovarian cancer syndrome. Also called: BRCA1- and BRCA2-Associated Hereditary Breast and Ovarian Cancer; Hereditary breast and ovarian cancer syndrome; Hereditary breast and ovarian cancer syndrome (HBOC); Breast and ovarian cancer; Hereditary breast and/or ovarian cancer syndrome; Hereditary breast and ovarian cancer. Identifiers: Orphanet 145, MedGen C0677776, MeSH D061325, MONDO:0003582. Disease mechanism: loss of function.
Hereditary cancer-predisposing syndrome. Also called: Hereditary Cancer Syndrome; Hereditary neoplastic syndrome; Neoplastic Syndromes, Hereditary; Tumor predisposition. Identifiers: Orphanet 140162, MedGen C0027672, MeSH D009386, MONDO:0015356.
Breast-ovarian cancer, familial, susceptibility to, 1 (BROVCA1). Also called: BRCA1 Hereditary Breast and Ovarian Cancer; OVARIAN CANCER, SUSCEPTIBILITY TO. Identifiers: Orphanet 145, MedGen C2676676, MONDO:0011450, OMIM 604370. Disease mechanism: loss of function.

Submissions (4):

Molecular Pathology, Peter Maccallum Cancer Centre
Classification: Pathogenic for Breast-ovarian cancer, familial, susceptibility to, 1. Last evaluated: 2024-12-31. Review status: criteria provided, single submitter. Criteria: ACMG Guidelines, 2015. Collection method: clinical testing. Allele origin: germline. Inheritance: Autosomal dominant inheritance.

Ambry Genetics
Classification: Pathogenic for Hereditary cancer-predisposing syndrome. Last evaluated: 2024-11-27. Review status: criteria provided, single submitter. Criteria: Ambry Variant Classification Scheme 2023. Collection method: clinical testing. Allele origin: germline.
Comment: The c.4987-3C>G intronic pathogenic mutation results from a C to G substitution 3 nucleotides upstream from coding exon 15 in the BRCA1 gene. This nucleotide position is highly conserved in available vertebrate species. In silico splice site analysis predicts that this alteration will weaken the native splice acceptor site. Multiple different RNA studies have found that this variant produces a substantial amount of aberrant, frameshifting transcript (Ambry internal data; Brand&atilde;o RD et al. Breast Cancer Res Treat, 2011 Oct;129:971-82; Brand&atilde;o RD et al. Breast Cancer Res Treat, 2012 Jan;131:723-5). One functional study found that this nucleotide substitution is non-functional in a high-throughput, genome editing, haploid cell survival assay (Findlay GM et al. Nature, 2018 10;562:217-222). Other alterations impacting the same acceptor site (c.4987A>T, c.4987-1G>A, c.4987-5T>A) have been shown to have a similar impact on splicing (Bonnet C et al. J Med Genet, 2008 Jul;45:438-46; Colombo M et al. PLoS One, 2013 Feb;8:e57173; Ahlborn LB et al. Breast Cancer Res Treat, 2015 Apr;150:289-98). This variant is considered to be rare based on population cohorts in the Genome Aggregation Database (gnomAD). Based on the supporting evidence, this variant is interpreted as a disease-causing mutation.

Labcorp Genetics (formerly Invitae), Labcorp
Classification: Likely pathogenic for Hereditary breast ovarian cancer syndrome. Last evaluated: 2024-05-01. Review status: criteria provided, single submitter. Criteria: Invitae Variant Classification Sherloc (09022015). Collection method: clinical testing. Allele origin: germline.
Comment: This sequence change falls in intron 15 of the BRCA1 gene. It does not directly change the encoded amino acid sequence of the BRCA1 protein. RNA analysis indicates that this variant induces altered splicing and may result in an absent or disrupted protein product. This variant is not present in population databases (gnomAD no frequency). This variant has been observed in individual(s) with a personal and/or family history of breast and/or ovarian cancer (PMID: 21638052, 29907814). ClinVar contains an entry for this variant (Variation ID: 55346). Algorithms developed to predict the effect of variants on gene product structure and function are not available or were not evaluated for this variant. Experimental studies have shown that this variant affects BRCA1 function (PMID: 30209399). Variants that disrupt the consensus splice site are a relatively common cause of aberrant splicing (PMID: 17576681, 9536098). Studies have shown that this variant results in skipping of exon 16 (also known as exon 17) and introduces a premature termination codon (PMID: 21638052, 22113256). The resulting mRNA is expected to undergo nonsense-mediated decay. In summary, the currently available evidence indicates that the variant is pathogenic, but additional data are needed to prove that conclusively. Therefore, this variant has been classified as Likely Pathogenic.

Brotman Baty Institute, University of Washington
No classification provided (evidence only). Condition: Breast-ovarian cancer, familial 1. Review status: no classification provided. Collection method: in vitro. Allele origin: not applicable. Functional consequence: functionally_abnormal. Not counted in ClinVar's aggregate classification.
ClinVar note: "not provided" was previously submitted as the classification for the variant. However, the classification appeared to be based only on an observation of functional data so it was converted to no classification on 2025-07-30.

Literature cited by the submitters: PubMed 18424508 (cited by Ambry Genetics); PubMed 21638052 (cited by Ambry Genetics and Labcorp Genetics (formerly Invitae), Labcorp); PubMed 22113256 (cited by Ambry Genetics and Labcorp Genetics (formerly Invitae), Labcorp); PubMed 23451180 (cited by Ambry Genetics); PubMed 25724305 (cited by Ambry Genetics); PubMed 30209399 (cited by Ambry Genetics and Labcorp Genetics (formerly Invitae), Labcorp); PubMed 29907814 (cited by Labcorp Genetics (formerly Invitae), Labcorp); PubMed 17576681 (cited by Labcorp Genetics (formerly Invitae), Labcorp); PubMed 9536098 (cited by Labcorp Genetics (formerly Invitae), Labcorp).

NM_007294.4(BRCA1):c.4987-3C>G

Gene: BRCA1 (BRCA1 DNA repair associated; minus strand). Cytogenetic location: 17q21.31.
Variant type: single nucleotide variant.
Coding change: c.4987-3C>G on transcript NM_007294.4 (MANE Select); 3 bases into the intron before coding-DNA position 4987, C replaced by G.
Molecular consequence: intron variant.
Genome position (GRCh38, 1-based): chr17:43,067,698, G>C on the plus strand (C>G on the coding strand, the complement: BRCA1 is on the minus strand). VCF-style: chr17-43067698-G-C. GRCh37 (hg19) VCF-style: chr17-41219715-G-C.
Other names: c.1414-3C>G (NM_001408501.1, NM_001408500.1, NM_001408497.1 and 3 more transcripts); c.1537-3C>G (NM_001408455.1, NM_001408452.1, NM_001408457.1 and 3 more transcripts); c.4846-3C>G (NM_001407731.1, NM_001407695.1, NM_001407726.1 and 13 more transcripts); c.4777-3C>G (NM_001407889.1, NM_001407884.1, NM_001407879.1 and 5 more transcripts); c.4840-3C>G (NM_001407846.1, NM_001407850.1, NM_001407844.1 and 12 more transcripts); c.1147-3C>G (NM_001408513.1); c.1411-3C>G (NM_001408503.1, NM_001408502.1, NM_001408504.1); c.4843-3C>G (NM_001407943.1, NM_001407748.1, NM_001407752.1 and 21 more transcripts); and 71 more.
Identifiers: ClinVar variation 55346 (VCV000055346.18), dbSNP rs397509213, ClinGen allele CA003133.